The following is an entry in ClinVar:

NM_139076.3(ABRAXAS1):c.890G>A (p.Cys297Tyr)

Gene: ABRAXAS1 (abraxas 1, BRCA1 A complex subunit; minus strand). Cytogenetic location: 4q21.23.
Variant type: single nucleotide variant.
Coding change: c.890G>A on transcript NM_139076.3 (MANE Select); coding-DNA position 890, G replaced by A.
Protein change: p.Cys297Tyr; replaces cysteine 297 with tyrosine.
Molecular consequence: missense variant.
Genome position (GRCh38, 1-based): chr4:83,462,809, C>T on the plus strand (G>A on the coding strand, the complement: ABRAXAS1 is on the minus strand). VCF-style: chr4-83462809-C-T. GRCh37 (hg19) VCF-style: chr4-84383962-C-T.
Other names: c.563G>A, p.Cys188Tyr (NM_001345962.2); short protein forms C297Y, C188Y.
Identifiers: ClinVar variation 4636476 (VCV004636476.1).

ClinVar aggregate classification (germline): Uncertain significance (1 of 4 stars; one submission).

Submission:

Ambry Genetics
Classification: Uncertain significance. Last evaluated: 2025-11-17. Review status: criteria provided, single submitter. Criteria: Ambry Variant Classification Scheme 2023. Collection method: clinical testing. Allele origin: germline.
Comment: The p.C297Y variant (also known as c.890G>A), located in coding exon 9 of the FAM175A gene, results from a G to A substitution at nucleotide position 890. The cysteine at codon 297 is replaced by tyrosine, an amino acid with highly dissimilar properties. This amino acid position is conserved. In addition, the in silico prediction for this alteration is inconclusive. Based on the available evidence, the clinical significance of this variant remains unclear.